The following is an entry in ClinVar:

ClinVar aggregate classification (germline): Pathogenic/Likely pathogenic. Review status: criteria provided, multiple submitters, no conflicts (2 of 4 stars). 5 submissions from 5 submitters: Pathogenic (3); Likely pathogenic (1). 1 of the submissions does not count toward it. Last evaluated 2024-03-20.

Conditions:
Niemann-Pick disease, type B. Also called: Chronic Visceral ASMD (Niemann-Pick Disease Type B; NPD-B). Identifiers: Orphanet 77293, MedGen C0268243, MONDO:0011871, OMIM 607616. Disease mechanism: loss of function.
Niemann-Pick disease, type A. Also called: SPHINGOMYELIN LIPIDOSIS; SPHINGOMYELINASE DEFICIENCY; Infantile Neurovisceral ASMD (Niemann-Pick Disease Type A; NPD-A). Identifiers: Orphanet 77292, MedGen C0268242, MONDO:0009756, OMIM 257200. Disease mechanism: loss of function.

Allele frequency attached by ClinVar (database versions not stated): gnomAD 0.00001; TOPMed 0.00003.

Submissions (5):

Baylor Genetics
Classification: Pathogenic for Niemann-Pick disease, type A. Last evaluated: 2024-03-20. Review status: criteria provided, single submitter. Criteria: ACMG Guidelines, 2015. Collection method: clinical testing. Allele origin: unknown.

Natera, Inc.
Classification: Pathogenic for Niemann-Pick Disease, Types A/B. Last evaluated: 2024-02-26. Review status: criteria provided, single submitter. Criteria: Natera Variant Classification Schema (03/2026). Collection method: clinical testing. Allele origin: germline.
Comment: The c.1341-1G>A variant in SMPD1 is a canonical splice acceptor site variant predicted to affect pre-mRNA splicing, which may result in an abnormal transcript and altered protein product. This variant is rare in the general population with a frequency below the threshold expected for the associated phenotype(s). This variant has been observed in one or more individuals affected with the associated recessive disease, as either homozygous or compound heterozygous with a second variant (PMID: 33675270, 15234149, 33675270). Given the available evidence, this variant is classified as Pathogenic.

Labcorp Genetics (formerly Invitae), Labcorp
Classification: Likely pathogenic for Niemann-Pick disease, type B; Niemann-Pick disease, type A. Last evaluated: 2023-04-30. Review status: criteria provided, single submitter. Criteria: Invitae Variant Classification Sherloc (09022015). Collection method: clinical testing. Allele origin: germline.
Comment: In summary, the currently available evidence indicates that the variant is pathogenic, but additional data are needed to prove that conclusively. Therefore, this variant has been classified as Likely Pathogenic. Algorithms developed to predict the effect of sequence changes on RNA splicing suggest that this variant may disrupt the consensus splice site. ClinVar contains an entry for this variant (Variation ID: 370902). Disruption of this splice site has been observed in individual(s) with Niemann-Pick disease (PMID: 33675270). This variant is not present in population databases (gnomAD no frequency). This sequence change affects an acceptor splice site in intron 4 of the SMPD1 gene. It is expected to disrupt RNA splicing. Variants that disrupt the donor or acceptor splice site typically lead to a loss of protein function (PMID: 16199547), and loss-of-function variants in SMPD1 are known to be pathogenic (PMID: 12369017, 15221801).

Eurofins Ntd Llc (ga)
Classification: Pathogenic. Last evaluated: 2018-05-11. Review status: criteria provided, single submitter. Criteria: EGL ClinVar v180209 classification definitions. Collection method: clinical testing. Allele origin: germline. Observed: 1 variant allele, 1 heterozygote.

Counsyl
Classification: Likely pathogenic for Niemann-Pick disease, type A. Last evaluated: 2016-05-09. Review status: no assertion criteria provided. Collection method: clinical testing. Allele origin: unknown. Not counted in ClinVar's aggregate classification.

Literature cited by the submitters: PubMed 33675270 (cited by Natera, Inc. and Labcorp Genetics (formerly Invitae), Labcorp); PubMed 15234149 (cited by Natera, Inc.); PubMed 16199547 (cited by Labcorp Genetics (formerly Invitae), Labcorp); PubMed 12369017 (cited by Labcorp Genetics (formerly Invitae), Labcorp); PubMed 15221801 (cited by Labcorp Genetics (formerly Invitae), Labcorp).

NM_000543.5(SMPD1):c.1341-1G>A

Gene: SMPD1 (sphingomyelin phosphodiesterase 1; plus strand). Cytogenetic location: 11p15.4.
Variant type: single nucleotide variant.
Coding change: c.1341-1G>A on transcript NM_000543.5 (MANE Select); the canonical splice acceptor site of the intron before coding-DNA position 1341, G replaced by A.
Molecular consequence: splice acceptor variant.
Genome position (GRCh38, 1-based): chr11:6,393,895, G>A. VCF-style: chr11-6393895-G-A. GRCh37 (hg19) VCF-style: chr11-6415125-G-A.
Other names: c.420-1G>A (NM_001318088.2); c.1209-1G>A (NM_001365135.2); c.1341-1G>A (NM_001318087.2); c.1338-1G>A (NM_001007593.3).
Identifiers: ClinVar variation 370902 (VCV000370902.17), dbSNP rs1057516854, ClinGen allele CA16041486.